The following is an entry in ClinVar:

ClinVar aggregate classification (germline): Uncertain significance. Review status: criteria provided, multiple submitters, no conflicts (2 of 4 stars). 2 submissions from 2 submitters: Uncertain significance (2). Last evaluated 2025-02-24.

Conditions:
Inborn genetic diseases. Identifiers: MedGen C0950123, MeSH D030342.

Submissions (2):

GeneDx
Classification: Uncertain significance. Last evaluated: 2025-02-24. Review status: criteria provided, single submitter. Criteria: GeneDx Variant Classification Process June 2021. Collection method: clinical testing. Allele origin: germline. Affected: yes.
Comment: Not observed at significant frequency in large population cohorts (gnomAD); In silico analysis indicates that this missense variant does not alter protein structure/function; Has not been previously published as pathogenic or benign to our knowledge

Ambry Genetics
Classification: Uncertain significance for Inborn genetic diseases. Last evaluated: 2024-12-14. Review status: criteria provided, single submitter. Criteria: Ambry Variant Classification Scheme 2023. Collection method: clinical testing. Allele origin: germline.

NM_080605.4(B3GALT6):c.346C>T (p.His116Tyr)

Gene: B3GALT6 (beta-1,3-galactosyltransferase 6; plus strand). Cytogenetic location: 1p36.33.
Variant type: single nucleotide variant.
Coding change: c.346C>T on transcript NM_080605.4 (MANE Select); coding-DNA position 346, C replaced by T.
Protein change: p.His116Tyr; replaces histidine 116 with tyrosine.
Molecular consequence: missense variant.
Genome position (GRCh38, 1-based): chr1:1,232,624, C>T. VCF-style: chr1-1232624-C-T. GRCh37 (hg19) VCF-style: chr1-1168004-C-T.
Other names: short protein forms H116Y.
Identifiers: ClinVar variation 3815243 (VCV003815243.2).